The following is an entry in ClinVar:

ClinVar aggregate classification (germline): Uncertain significance. Review status: criteria provided, single submitter (1 of 4 stars). 2 submissions from 2 submitters: Uncertain significance (1). 1 of the submissions does not count toward it. Last evaluated 2024-05-17.

Conditions:
KCNC1-related disorder. Also called: KCNC1-Related Disorders; KCNC1-related condition. Identifiers: MedGen CN381541.
Progressive myoclonic epilepsy type 7. Identifiers: Orphanet 435438, MedGen C4015420, MONDO:0014521, OMIM 616187.

Allele frequency attached by ClinVar (database versions not stated): gnomAD exomes 0.00003.

Submissions (2):

Labcorp Genetics (formerly Invitae), Labcorp
Classification: Uncertain significance for Progressive myoclonic epilepsy type 7. Last evaluated: 2024-05-17. Review status: criteria provided, single submitter. Criteria: Invitae Variant Classification Sherloc (09022015). Collection method: clinical testing. Allele origin: germline.
Comment: This sequence change replaces alanine, which is neutral and non-polar, with valine, which is neutral and non-polar, at codon 525 of the KCNC1 protein (p.Ala525Val). This variant is present in population databases (no rsID available, gnomAD 0.02%). This variant has not been reported in the literature in individuals affected with KCNC1-related conditions. ClinVar contains an entry for this variant (Variation ID: 574643). Advanced modeling of protein sequence and biophysical properties (such as structural, functional, and spatial information, amino acid conservation, physicochemical variation, residue mobility, and thermodynamic stability) performed at Invitae indicates that this missense variant is not expected to disrupt KCNC1 protein function with a negative predictive value of 95%. In summary, the available evidence is currently insufficient to determine the role of this variant in disease. Therefore, it has been classified as a Variant of Uncertain Significance.

PreventionGenetics, part of Exact Sciences
Classification: Uncertain significance for KCNC1-related condition. Last evaluated: 2024-06-28. Review status: no assertion criteria provided. Collection method: clinical testing. Allele origin: germline. Not counted in ClinVar's aggregate classification.
Comment: The KCNC1 c.1574C>T variant is predicted to result in the amino acid substitution p.Ala525Val. To our knowledge, this variant has not been reported in the literature. This variant is reported in 0.016% of alleles in individuals of Latino descent in gnomAD. Although we suspect that this variant may be benign, at this time, the clinical significance of this variant is uncertain due to the absence of conclusive functional and genetic evidence.

NM_001112741.2(KCNC1):c.1574C>T (p.Ala525Val)

Gene: KCNC1 (potassium voltage-gated channel subfamily C member 1; plus strand). Cytogenetic location: 11p15.1.
Variant type: single nucleotide variant.
Coding change: c.1574C>T on transcript NM_001112741.2 (MANE Select); coding-DNA position 1574, C replaced by T.
Protein change: p.Ala525Val; replaces alanine 525 with valine.
Molecular consequence: missense variant.
Genome position (GRCh38, 1-based): chr11:17,779,525, C>T. VCF-style: chr11-17779525-C-T. GRCh37 (hg19) VCF-style: chr11-17801072-C-T.
Other names: short protein forms A525V.
Identifiers: ClinVar variation 574643 (VCV000574643.11), dbSNP rs1169785679, ClinGen allele CA379814214.
Genomic context (GRCh38, chr11:17,779,525, plus strand): 5'-TGAATGGGGAGGTGGCGAAGGCCGCGCTGGCGAACGAAGACTGCCCCCACATAGACCAGG[C>T]CCTCACTCCCGATGAGGGCCTGCCCTTTACGCGCTCGGGCACCCGCGAGAGATACGGACC-3'
Protein context (NP_001106212.1, residues 515-535): ANEDCPHIDQ[Ala525Val]LTPDEGLPFT